The following is an entry in ClinVar:

ClinVar aggregate classification (germline): Uncertain significance (1 of 4 stars; one submission).

Conditions:
Autosomal recessive complex spastic paraplegia type 9B. Also called: Spastic paraplegia 9b, autosomal recessive. Identifiers: Orphanet 447760, MedGen C5568980, MONDO:0014702, OMIM 616586.

Submission:

Breda Genetics srl
Classification: Uncertain significance for Autosomal recessive complex spastic paraplegia type 9B. Last evaluated: 2020-09-22. Review status: criteria provided, single submitter. Criteria: ACMG Guidelines, 2015. Collection method: clinical testing. Allele origin: germline. Inheritance: Autosomal recessive inheritance. Affected: yes. Observed: 1 variant allele, 1 heterozygote.
Comment: Based on allele frequency, in-silico prediction scores and a certain overlap with the clinical phenotype, we interpreted this variant at least as of uncertain significance. The lack of one or more of the following features has discouraged further investigations: lack of a possible second hit in autosomal recessive conditions, presence of healthy controls in databases for autosomal dominant conditions, presence of unmatching cardinal clinical features in the patient or in the known gene-disease association, and/or variant type outside the known gene mutational spectrum.

NM_002860.4(ALDH18A1):c.1926A>G (p.Val642=)

Gene: ALDH18A1 (aldehyde dehydrogenase 18 family member A1; minus strand). Cytogenetic location: 10q24.1.
Variant type: single nucleotide variant.
Coding change: c.1926A>G on transcript NM_002860.4 (MANE Select); coding-DNA position 1926, A replaced by G.
Protein change: p.Val642=; no amino-acid change (valine 642 retained).
Molecular consequence: synonymous variant.
Genome position (GRCh38, 1-based): chr10:95,611,440, T>C on the plus strand (A>G on the coding strand, the complement: ALDH18A1 is on the minus strand). VCF-style: chr10-95611440-T-C. GRCh37 (hg19) VCF-style: chr10-97371197-T-C.
Other names: c.1920A>G, p.Val640= (NM_001017423.2, NM_001323415.2); c.1593A>G, p.Val531= (NM_001323412.2, NM_001323416.2); c.1926A>G, p.Val642= (NM_001323413.2, NM_001323414.2); c.1821A>G, p.Val607= (NM_001323417.2); c.1587A>G, p.Val529= (NM_001323418.2); c.1290A>G, p.Val430= (NM_001323419.2).
Identifiers: ClinVar variation 1299693 (VCV001299693.1), dbSNP rs2139530896, ClinGen allele CA471027656.